The following is an entry in ClinVar:

NM_002907.4(RECQL):c.1436G>A (p.Cys479Tyr)

Gene: RECQL (RecQ like helicase; minus strand). Cytogenetic location: 12p12.1.
Variant type: single nucleotide variant.
Coding change: c.1436G>A on transcript NM_002907.4 (MANE Select); coding-DNA position 1436, G replaced by A.
Protein change: p.Cys479Tyr; replaces cysteine 479 with tyrosine.
Molecular consequence: missense variant.
Genome position (GRCh38, 1-based): chr12:21,473,562, C>T on the plus strand (G>A on the coding strand, the complement: RECQL is on the minus strand). VCF-style: chr12-21473562-C-T. GRCh37 (hg19) VCF-style: chr12-21626496-C-T.
Other names: c.1436G>A, p.Cys479Tyr (NM_032941.3); short protein forms C479Y.
Identifiers: ClinVar variation 1215005 (VCV001215005.7), dbSNP rs201851180, ClinGen allele CA6478754.

ClinVar aggregate classification (germline): Uncertain significance. Review status: criteria provided, multiple submitters, no conflicts (2 of 4 stars). 2 submissions from 2 submitters: Uncertain significance (2). Last evaluated 2024-10-31.

Allele frequency attached by ClinVar (database versions not stated): gnomAD exomes 0.00001 and 0.00002; ExAC 0.00003; gnomAD 0.00004 and 0.00005; TOPMed 0.00004; 1000 Genomes Project 30x 0.00031; 1000 Genomes Project 0.00040.
gnomAD v4.1: 14 of 1,612,086 alleles (0.00087%); highest among the groups gnomAD compares: African/African-American, 0.017%; no homozygotes.

Submissions (2):

Ambry Genetics
Classification: Uncertain significance. Last evaluated: 2024-10-31. Review status: criteria provided, single submitter. Criteria: Ambry Variant Classification Scheme 2023. Collection method: clinical testing. Allele origin: germline.
Comment: The p.C479Y variant (also known as c.1436G>A), located in coding exon 11 of the RECQL gene, results from a G to A substitution at nucleotide position 1436. The cysteine at codon 479 is replaced by tyrosine, an amino acid with highly dissimilar properties. This amino acid position is not well conserved in available vertebrate species. In addition, this alteration is predicted to be tolerated by in silico analysis. Since supporting evidence is limited at this time, the clinical significance of this alteration remains unclear.

GeneDx
Classification: Uncertain significance. Last evaluated: 2023-02-13. Review status: criteria provided, single submitter. Criteria: GeneDx Variant Classification Process June 2021. Collection method: clinical testing. Allele origin: germline. Affected: yes.
Comment: Not observed at significant frequency in large population cohorts (gnomAD); In silico analysis supports that this missense variant does not alter protein structure/function; Has not been previously published as pathogenic or benign to our knowledge; This variant is associated with the following publications: (PMID: 27248010, 19151156)